The following is an entry in ClinVar:

ClinVar aggregate classification (germline): Likely benign (0 of 4 stars; one submission).

Conditions:
SBF1-related disorder. Also called: SBF1-related condition.

Allele frequency attached by ClinVar (database versions not stated): gnomAD exomes below 0.00001.
gnomAD v4.1: 1 of 1,614,122 alleles (0.000062%); highest among the groups gnomAD compares: East Asian, 0.0022%; no homozygotes.

Submission:

PreventionGenetics, part of Exact Sciences
Classification: Likely benign for SBF1-related condition. Last evaluated: 2019-08-15. Review status: no assertion criteria provided. Collection method: clinical testing. Allele origin: germline.
Comment: This variant is classified as likely benign based on ACMG/AMP sequence variant interpretation guidelines (Richards et al. 2015 PMID: 25741868, with internal and published modifications).

NM_002972.4(SBF1):c.3126G>A (p.Lys1042=)

Gene: SBF1 (SET binding factor 1; minus strand). Cytogenetic location: 22q13.33.
Variant type: single nucleotide variant.
Coding change: c.3126G>A on transcript NM_002972.4 (MANE Select); coding-DNA position 3126, G replaced by A.
Protein change: p.Lys1042=; no amino-acid change (lysine 1042 retained).
Molecular consequence: synonymous variant.
Genome position (GRCh38, 1-based): chr22:50,460,554, C>T on the plus strand (G>A on the coding strand, the complement: SBF1 is on the minus strand). VCF-style: chr22-50460554-C-T. GRCh37 (hg19) VCF-style: chr22-50898983-C-T.
Other names: c.3129G>A, p.Lys1043= (NM_001365819.1, NM_001410794.1); c.3126G>A, p.Lys1042= (NM_001410795.1, NM_197971.1).
Identifiers: ClinVar variation 3052891 (VCV003052891.2), dbSNP rs2521920985, ClinGen allele CA515383487.